The following is an entry in ClinVar:

NM_139276.3(STAT3):c.1110-19_1110-17del

Gene: STAT3 (signal transducer and activator of transcription 3; minus strand). Cytogenetic location: 17q21.2.
Variant type: Microsatellite.
Coding change: c.1110-19_1110-17del on transcript NM_139276.3 (MANE Select); 19 bases into the intron before coding-DNA position 1110 through 17 bases into the intron before coding-DNA position 1110, 3 bases deleted (ACA; older notation c.1110-19_1110-17delACA).
Molecular consequence: intron variant. On other transcripts: splice acceptor variant (2).
Genome position (GRCh38, 1-based): chr17:42,329,793-42,329,795, TGT deleted on the plus strand (ACA on the coding strand, the reverse complement: STAT3 is on the minus strand); deleting any 3 consecutive bases within chr17:42,329,793-42,329,799 gives the same sequence; the c. name uses the placement nearest the transcript's 3' end. VCF-style (leftmost placement, unchanged base first): chr17-42329792-CTGT-C. GRCh37 (hg19) VCF-style: chr17-40481810-CTGT-C.
Other names: c.1014-19_1014-17del (NM_001384989.1); c.1050-19_1050-17del (NM_001384992.1); c.1110-19_1110-17del (NM_001384984.1, NM_001369519.1, NM_003150.4 and 12 more transcripts); c.1032-19_1032-17del (NM_001384985.1); c.1110-4_1110-2del (NM_001384986.1, NM_001384990.1); c.1110-19_1110-17delACA (NM_139276.3).
Identifiers: ClinVar variation 1594036 (VCV001594036.10), dbSNP rs777823264, ClinGen allele CA8575453.

ClinVar aggregate classification (germline): Benign/Likely benign. Review status: criteria provided, multiple submitters, no conflicts (2 of 4 stars). 2 submissions from 2 submitters: Benign (1); Likely benign (1). Last evaluated 2025-06-13.

Conditions:
Hyper-IgE recurrent infection syndrome 1, autosomal dominant. Also called: Job's Syndrome; STAT3 Hyper IgE Syndrome; Hyper-IgE recurrent infection syndrome 1; JOB SYNDROME; HYPER-IgE SYNDROME 1, AUTOSOMAL DOMINANT, WITH RECURRENT INFECTIONS. Identifiers: Orphanet 2314, MedGen C2936739, MONDO:0007818, OMIM 147060.
STAT3 gain of function. Identifiers: MedGen C4288261.

Submissions (2):

Labcorp Genetics (formerly Invitae), Labcorp
Classification: Likely benign for STAT3 gain of function; Hyper-IgE recurrent infection syndrome 1, autosomal dominant. Last evaluated: 2025-06-13. Review status: criteria provided, single submitter. Criteria: Invitae Variant Classification Sherloc (09022015). Collection method: clinical testing. Allele origin: germline.

Women's Health and Genetics/Laboratory Corporation of America, LabCorp
Classification: Benign. Last evaluated: 2025-01-02. Review status: criteria provided, single submitter. Criteria: LabCorp Variant Classification Summary - May 2015. Collection method: clinical testing. Allele origin: germline.
Comment: Variant summary: STAT3 c.1110-19_1110-17delACA alters a nucleotide located at a position not widely known to affect splicing. Consensus agreement among computation tools predict no significant impact on normal splicing. However, these predictions have yet to be confirmed by functional studies. The variant allele was found at a frequency of 1.7e-05 in 1607070 control chromosomes, predominantly at a frequency of 0.00033 within the African or African-American subpopulation in the gnomAD database (v4.1 dataset). The observed variant frequency within African or African-American control individuals in the gnomAD database is approximately 150 fold of the estimated maximal expected allele frequency for a pathogenic variant in STAT3 causing Hyper IgE Syndrome phenotype (2.2e-06). To our knowledge, no occurrence of c.1110-19_1110-17delACA in individuals affected with Hyper IgE Syndrome and no experimental evidence demonstrating its impact on protein function have been reported. ClinVar contains an entry for this variant (Variation ID: 1594036). Based on the evidence outlined above, the variant was classified as benign.